The following is an entry in ClinVar:

NM_000202.8(IDS):c.1601A>T (p.Asn534Ile)

Gene: IDS (iduronate 2-sulfatase; minus strand). Cytogenetic location: Xq28.
Variant type: single nucleotide variant.
Coding change: c.1601A>T on transcript NM_000202.8 (MANE Select); coding-DNA position 1601, A replaced by T.
Protein change: p.Asn534Ile; replaces asparagine 534 with isoleucine.
Molecular consequence: missense variant.
Genome position (GRCh38, 1-based): chrX:149,482,798, T>A on the plus strand (A>T on the coding strand, the complement: IDS is on the minus strand). VCF-style: chrX-149482798-T-A. GRCh37 (hg19) VCF-style: chrX-148564329-T-A.
Other names: c.1331A>T, p.Asn444Ile (NM_001166550.4); short protein forms N444I, N534I.
Identifiers: ClinVar variation 3256093 (VCV003256093.2).
Genomic context (GRCh38, chrX:149,482,798, plus strand): 5'-GGCAAAACTCAAGGCATCAACAACTGGAAAAGATCTCCACCTTGGGAATCATTATACATA[T>A]TGTGATCCTGCAATGGGTCAGAATCCACAAAATACAGTTCCCCTGCATGGATGTCAGAAA-3'
Protein context (NP_000193.1, residues 524-544): FVDSDPLQDH[Asn534Ile]MYNDSQGGDL

ClinVar aggregate classification (germline): Likely pathogenic (1 of 4 stars; one submission).

Conditions:
Mucopolysaccharidosis, MPS-II (MPS2). Also called: Hunter Syndrome; IDURONATE 2-SULFATASE DEFICIENCY; Mucopolysaccharidosis Type II; Mucopolysaccharidosis type 2; Attenuated MPS (subtype; formerly known as mild MPS II); Severe MPS II. Identifiers: Orphanet 580, Orphanet 79388, MedGen C0026705, MONDO:0010674, OMIM 309900.

Submission:

Laboratory of Diagnosis and Therapy of Lysosomal Disorders, University of Padova
Classification: Likely pathogenic for Mucopolysaccharidosis, MPS-II. Last evaluated: 2024-06-07. Review status: criteria provided, single submitter. Criteria: ACMG Guidelines, 2015. Collection method: literature only. Allele origin: germline. Affected: yes. Observed: 1 variant allele.
Comment: Absent from controls (or at low frequency) in gnomAD database (PM2_Moderate), Missense variant in a gene with a low rate of benign missense variation (PP2_Supporting), Multiple lines of computational evidence support a deleterious effect (PP3_Supporting), Patient’s phenotype or family history highly specific for the disease (PP4_Strong)

Classification method: ACMG Guidelines [PMID:25741868] with modifications

Literature cited by the submitters: PubMed 27246110.